The following is an entry in ClinVar:

NM_018975.4(TERF2IP):c.1164G>C (p.Gln388His)

Gene: TERF2IP (TERF2 interacting protein; plus strand). Cytogenetic location: 16q23.1.
Variant type: single nucleotide variant.
Coding change: c.1164G>C on transcript NM_018975.4 (MANE Select); coding-DNA position 1164, G replaced by C.
Protein change: p.Gln388His; replaces glutamine 388 with histidine.
Molecular consequence: missense variant. On other transcripts: non-coding transcript variant (1).
Genome position (GRCh38, 1-based): chr16:75,656,575, G>C. VCF-style: chr16-75656575-G-C. GRCh37 (hg19) VCF-style: chr16-75690473-G-C.
Other names: short protein forms Q388H.
Identifiers: ClinVar variation 1737867 (VCV001737867.3), dbSNP rs1462674889, ClinGen allele CA396820401.
Genomic context (GRCh38, chr16:75,656,575, plus strand): 5'-AGATTTGCAAAAAGATGATGAGGATACCAGAGAGGCATTGGTCAAAAAATTTGGTGCTCA[G>C]AATGTAGCTCGGAGGATTGAATTTCGAAAGAAATAATTGGCAAGATAATGAGAAAAGAAA-3'
Protein context (NP_061848.2, residues 378-398): REALVKKFGA[Gln388His]NVARRIEFRK

ClinVar aggregate classification (germline): Uncertain significance (1 of 4 stars; one submission).

Allele frequency attached by ClinVar (database versions not stated): TOPMed below 0.00001.

Submission:

Ambry Genetics
Classification: Uncertain significance. Last evaluated: 2024-08-19. Review status: criteria provided, single submitter. Criteria: Ambry Variant Classification Scheme 2023. Collection method: clinical testing. Allele origin: germline.
Comment: The p.Q388H variant (also known as c.1164G>C), located in coding exon 3 of the TERF2IP gene, results from a G to C substitution at nucleotide position 1164. The glutamine at codon 388 is replaced by histidine, an amino acid with highly similar properties. This amino acid position is conserved. In addition, this alteration is predicted to be tolerated by in silico analysis. Since supporting evidence is limited at this time, the clinical significance of this alteration remains unclear.